The following is an entry in ClinVar:

ClinVar aggregate classification (germline): Uncertain significance (1 of 4 stars; one submission).

Submission:

GeneDx
Classification: Uncertain significance. Last evaluated: 2024-08-21. Review status: criteria provided, single submitter. Criteria: GeneDx Variant Classification Process June 2021. Collection method: clinical testing. Allele origin: germline. Affected: yes.
Comment: Not observed at significant frequency in large population cohorts (gnomAD); In silico analysis supports that this missense variant has a deleterious effect on protein structure/function; Has not been previously published as pathogenic or benign to our knowledge

NM_005909.5(MAP1B):c.107A>C (p.Lys36Thr)

Gene: MAP1B (microtubule associated protein 1B; plus strand). Cytogenetic location: 5q13.2.
Variant type: single nucleotide variant.
Coding change: c.107A>C on transcript NM_005909.5 (MANE Select); coding-DNA position 107, A replaced by C.
Protein change: p.Lys36Thr; replaces lysine 36 with threonine.
Molecular consequence: missense variant.
Genome position (GRCh38, 1-based): chr5:72,107,638, A>C. VCF-style: chr5-72107638-A-C. GRCh37 (hg19) VCF-style: chr5-71403465-A-C.
Other names: short protein forms K36T.
Identifiers: ClinVar variation 3764467 (VCV003764467.1).